The following is an entry in ClinVar:

ClinVar aggregate classification (germline): Conflicting classifications of pathogenicity. Review status: criteria provided, conflicting classifications (1 of 4 stars). 4 submissions from 4 submitters: Uncertain significance (2); Benign (1). 1 of the submissions does not count toward it. Last evaluated 2025-11-24.

Conditions:
Nemaline myopathy 2 (NEM2). Also called: Nemaline myopathy 2, autosomal recessive. Identifiers: MedGen C1850569, MONDO:0009725, OMIM 256030.
Arthrogryposis multiplex congenita 6. Identifiers: MedGen C5543431, MONDO:0030281, OMIM 619334.

Allele frequency attached by ClinVar (database versions not stated): gnomAD exomes 0.00005 and 0.00006; gnomAD 0.00006; TOPMed 0.00006; ExAC 0.00007.
gnomAD v4.1: 81 of 1,613,492 alleles (0.005%); highest among the groups gnomAD compares: East Asian, 0.071%; no homozygotes.

Submissions (4):

Labcorp Genetics (formerly Invitae), Labcorp
Classification: Benign for Nemaline myopathy 2. Last evaluated: 2025-11-24. Review status: criteria provided, single submitter. Criteria: Invitae Variant Classification Sherloc (09022015). Collection method: clinical testing. Allele origin: germline.

Revvity Omics, Revvity
Classification: Uncertain significance. Last evaluated: 2019-10-11. Review status: criteria provided, single submitter. Criteria: ACMG Guidelines, 2015. Collection method: clinical testing. Allele origin: germline.

Juno Genomics, Hangzhou Juno Genomics, Inc
Classification: Uncertain significance for Arthrogryposis multiplex congenita 6; Nemaline myopathy 2. Review status: criteria provided, single submitter. Criteria: ACMG Guidelines, 2015. Collection method: clinical testing. Allele origin: germline.
Comment: Absent from controls (or at extremely low frequency if recessive) in Genome Aggregation Database.

Natera, Inc.
Classification: Uncertain significance for Nemaline myopathy type 2. Last evaluated: 2020-09-16. Review status: no assertion criteria provided. Collection method: clinical testing. Allele origin: germline. Not counted in ClinVar's aggregate classification.

NM_001164508.2(NEB):c.3520G>A (p.Ala1174Thr)

Gene: NEB (nebulin; minus strand). Cytogenetic location: 2q23.3.
Variant type: single nucleotide variant.
Coding change: c.3520G>A on transcript NM_001164508.2 (MANE Select); coding-DNA position 3520, G replaced by A.
Protein change: p.Ala1174Thr; replaces alanine 1174 with threonine.
Molecular consequence: missense variant.
Genome position (GRCh38, 1-based): chr2:151,677,923, C>T on the plus strand (G>A on the coding strand, the complement: NEB is on the minus strand). VCF-style: chr2-151677923-C-T. GRCh37 (hg19) VCF-style: chr2-152534437-C-T.
Other names: c.3520G>A, p.Ala1174Thr (NM_001164507.2, NM_001271208.2, NM_004543.5); short protein forms A1174T.
Identifiers: ClinVar variation 656803 (VCV000656803.12), dbSNP rs756135837, ClinGen allele CA1910893.